The following is an entry in ClinVar:

ClinVar aggregate classification (germline): Uncertain significance (1 of 4 stars; one submission).

gnomAD v4.1: 3 of 1,611,276 alleles (0.00019%); highest among the groups gnomAD compares: Non-Finnish European, 0.00025%; no homozygotes.

Submission:

Labcorp Genetics (formerly Invitae), Labcorp
Classification: Uncertain significance. Last evaluated: 2022-04-23. Review status: criteria provided, single submitter. Criteria: Invitae Variant Classification Sherloc (09022015). Collection method: clinical testing. Allele origin: germline.
Comment: This sequence change replaces glycine, which is neutral and non-polar, with aspartic acid, which is acidic and polar, at codon 417 of the MTTP protein (p.Gly417Asp). This variant is not present in population databases (gnomAD no frequency). This variant has not been reported in the literature in individuals affected with MTTP-related conditions. Algorithms developed to predict the effect of missense changes on protein structure and function are either unavailable or do not agree on the potential impact of this missense change (SIFT: "Tolerated"; PolyPhen-2: "Possibly Damaging"; Align-GVGD: "Class C0"). In summary, the available evidence is currently insufficient to determine the role of this variant in disease. Therefore, it has been classified as a Variant of Uncertain Significance.

NM_001386140.1(MTTP):c.1250G>A (p.Gly417Asp)

Gene: MTTP (microsomal triglyceride transfer protein; plus strand). Cytogenetic location: 4q23.
Variant type: single nucleotide variant.
Coding change: c.1250G>A on transcript NM_001386140.1 (MANE Select); coding-DNA position 1250, G replaced by A.
Protein change: p.Gly417Asp; replaces glycine 417 with aspartic acid.
Molecular consequence: missense variant.
Genome position (GRCh38, 1-based): chr4:99,601,620, G>A. VCF-style: chr4-99601620-G-A. GRCh37 (hg19) VCF-style: chr4-100522777-G-A.
Other names: c.1250G>A, p.Gly417Asp (NM_000253.4); c.1001G>A, p.Gly334Asp (NM_001300785.2); short protein forms G334D, G417D.
Identifiers: ClinVar variation 2094190 (VCV002094190.1), dbSNP rs376390566, ClinGen allele CA102632268.